The following is an entry in ClinVar:

NM_000127.3(EXT1):c.180C>A (p.Asp60Glu)

Gene: EXT1 (exostosin glycosyltransferase 1; minus strand). Cytogenetic location: 8q24.11.
Variant type: single nucleotide variant.
Coding change: c.180C>A on transcript NM_000127.3 (MANE Select); coding-DNA position 180, C replaced by A.
Protein change: p.Asp60Glu; replaces aspartic acid 60 with glutamic acid.
Molecular consequence: missense variant.
Genome position (GRCh38, 1-based): chr8:118,110,867, G>T on the plus strand (C>A on the coding strand, the complement: EXT1 is on the minus strand). VCF-style: chr8-118110867-G-T. GRCh37 (hg19) VCF-style: chr8-119123106-G-T.
Other names: short protein forms D60E.
Identifiers: ClinVar variation 2966250 (VCV002966250.3), dbSNP rs906171134, ClinGen allele CA371916425.

ClinVar aggregate classification (germline): Uncertain significance (1 of 4 stars; one submission).

Conditions:
Multiple congenital exostosis (EXT). Also called: Multiple osteochondromas; Hereditary multiple osteochondromas; Hereditary multiple exostoses; Hereditary multiple exostosis; Multiple exostoses; MULTIPLE CARTILAGINOUS EXOSTOSES. Identifiers: Orphanet 321, MedGen C0015306, MONDO:0005508, HP:0002762.

gnomAD v4.1: 1 of 1,613,114 alleles (0.000062%); highest among the groups gnomAD compares: East Asian, 0.0022%; no homozygotes.

Submission:

Labcorp Genetics (formerly Invitae), Labcorp
Classification: Uncertain significance for Multiple congenital exostosis. Last evaluated: 2023-06-07. Review status: criteria provided, single submitter. Criteria: Invitae Variant Classification Sherloc (09022015). Collection method: clinical testing. Allele origin: germline.
Comment: This sequence change replaces aspartic acid, which is acidic and polar, with glutamic acid, which is acidic and polar, at codon 60 of the EXT1 protein (p.Asp60Glu). In summary, the available evidence is currently insufficient to determine the role of this variant in disease. Therefore, it has been classified as a Variant of Uncertain Significance. Advanced modeling of protein sequence and biophysical properties (such as structural, functional, and spatial information, amino acid conservation, physicochemical variation, residue mobility, and thermodynamic stability) has been performed at Invitae for this missense variant, however the output from this modeling did not meet the statistical confidence thresholds required to predict the impact of this variant on EXT1 protein function. This variant has not been reported in the literature in individuals affected with EXT1-related conditions. This variant is not present in population databases (gnomAD no frequency).